The following is an entry in ClinVar:

ClinVar aggregate classification (germline): Uncertain significance (1 of 4 stars; one submission).

Conditions:
Congenital myasthenic syndrome 2A. Also called: Myasthenic syndrome, congenital, 2a, slow-channel. Identifiers: Orphanet 590, MedGen C4225374, MONDO:0014581, OMIM 616313.

Submission:

Labcorp Genetics (formerly Invitae), Labcorp
Classification: Uncertain significance for Congenital myasthenic syndrome 2A. Last evaluated: 2022-07-19. Review status: criteria provided, single submitter. Criteria: Invitae Variant Classification Sherloc (09022015). Collection method: clinical testing. Allele origin: germline.
Comment: This variant has not been reported in the literature in individuals affected with CHRNB1-related conditions. In summary, the available evidence is currently insufficient to determine the role of this variant in disease. Therefore, it has been classified as a Variant of Uncertain Significance. Advanced modeling of protein sequence and biophysical properties (such as structural, functional, and spatial information, amino acid conservation, physicochemical variation, residue mobility, and thermodynamic stability) performed at Invitae indicates that this missense variant is expected to disrupt CHRNB1 protein function. ClinVar contains an entry for this variant (Variation ID: 1036396). This variant is not present in population databases (gnomAD no frequency). This sequence change replaces phenylalanine, which is neutral and non-polar, with leucine, which is neutral and non-polar, at codon 267 of the CHRNB1 protein (p.Phe267Leu).

NM_000747.3(CHRNB1):c.801C>G (p.Phe267Leu)

Gene: CHRNB1 (cholinergic receptor nicotinic beta 1 subunit; plus strand). Cytogenetic location: 17p13.1.
Variant type: single nucleotide variant.
Coding change: c.801C>G on transcript NM_000747.3 (MANE Select); coding-DNA position 801, C replaced by G.
Protein change: p.Phe267Leu; replaces phenylalanine 267 with leucine.
Molecular consequence: missense variant.
Genome position (GRCh38, 1-based): chr17:7,448,769, C>G. VCF-style: chr17-7448769-C-G. GRCh37 (hg19) VCF-style: chr17-7352088-C-G.
Other names: short protein forms F267L.
Identifiers: ClinVar variation 1036396 (VCV001036396.10), dbSNP rs1908769664, ClinGen allele CA397795114.